The following is an entry in ClinVar:

ClinVar aggregate classification (germline): Uncertain significance (1 of 4 stars; one submission).

Conditions:
Bartter disease type 2. Also called: HYPOKALEMIC ALKALOSIS WITH HYPERCALCIURIA 2, ANTENATAL; Bartter syndrome, type 2, antenatal; HYPERPROSTAGLANDIN E SYNDROME 2. Identifiers: Orphanet 112, Orphanet 620220, MedGen C1855849, MONDO:0009424, OMIM 241200.

Submission:

Neuberg Centre For Genomic Medicine, NCGM
Classification: Uncertain significance for Bartter disease type 2. Last evaluated: 2023-05-20. Review status: criteria provided, single submitter. Criteria: ACMG Guidelines, 2015. Collection method: clinical testing. Allele origin: germline. Inheritance: Autosomal dominant inheritance. Affected: yes.
Comment: The missense c.836A>T (p.Asp279Val) variant in the KCNJ1 gene has not been reported previously as a pathogenic variant nor as a benign variant, to our knowledge. This variant is absent in the gnomAD Exomes. The amino acid Aspartic acid at position 279 is changed to a Valine changing protein sequence and it might alter its composition and physico-chemical properties. Multiple lines of computational evidence (Polyphen - Damaging, SIFT – Damaging and MutationTaster - Disease causing) predict a damaging effect on protein structure and function for this variant The amino acid change p.Asp279Val in KCNJ1 is predicted as conserved by GERP++ and PhyloP across 100 vertebrates. Further studies are required to prove the pathogenicity of the variant. For these reasons, this variant has been classified as Uncertain Significance.

NM_153766.3(KCNJ1):c.836A>T (p.Asp279Val)

Gene: KCNJ1 (potassium inwardly rectifying channel subfamily J member 1; minus strand). Cytogenetic location: 11q24.3.
Variant type: single nucleotide variant.
Coding change: c.836A>T on transcript NM_153766.3 (MANE Select); coding-DNA position 836, A replaced by T.
Protein change: p.Asp279Val; replaces aspartic acid 279 with valine.
Molecular consequence: missense variant.
Genome position (GRCh38, 1-based): chr11:128,839,408, T>A on the plus strand (A>T on the coding strand, the complement: KCNJ1 is on the minus strand). VCF-style: chr11-128839408-T-A. GRCh37 (hg19) VCF-style: chr11-128709303-T-A.
Other names: c.893A>T, p.Asp298Val (NM_000220.6); c.836A>T, p.Asp279Val (NM_153764.3, NM_153767.4); c.887A>T, p.Asp296Val (NM_153765.3); short protein forms D279V, D296V, D298V.
Identifiers: ClinVar variation 3367112 (VCV003367112.1).